The following is an entry in ClinVar:

ClinVar aggregate classification (germline): Likely benign. Review status: criteria provided, multiple submitters, no conflicts (2 of 4 stars). 2 submissions from 2 submitters: Likely benign (2). Last evaluated 2025-08-15.

Conditions:
SMARCD2-related disorder. Also called: SMARCD2-related condition.

Allele frequency attached by ClinVar (database versions not stated): gnomAD exomes below 0.00001; gnomAD 0.00002; TOPMed 0.00003.
gnomAD v4.1: 6 of 1,251,124 alleles (0.00048%); highest among the groups gnomAD compares: African/African-American, 0.0016%; no homozygotes.

Submissions (2):

PreventionGenetics, part of Exact Sciences
Classification: Likely benign for SMARCD2-related condition. Last evaluated: 2025-08-15. Review status: criteria provided, single submitter. Criteria: ACMG Guidelines, 2015. Collection method: clinical testing. Allele origin: germline.
Comment: This variant is classified as likely benign based on ACMG/AMP sequence variant interpretation guidelines (Richards et al. 2015 PMID: 25741868, with internal and published modifications).

Labcorp Genetics (formerly Invitae), Labcorp
Classification: Likely benign. Last evaluated: 2025-07-10. Review status: criteria provided, single submitter. Criteria: Invitae Variant Classification Sherloc (09022015). Collection method: clinical testing. Allele origin: germline.

NM_001098426.2(SMARCD2):c.195G>C (p.Ala65=)

Genes: SMARCD2 (SWI/SNF related BAF chromatin remodeling complex subunit D2; minus strand), LOC130061409 (ATAC-STARR-seq lymphoblastoid silent region 8832; plus strand). Cytogenetic location: 17q23.3.
Variant type: single nucleotide variant.
Coding change: c.195G>C on transcript NM_001098426.2 (MANE Select); coding-DNA position 195, G replaced by C.
Protein change: p.Ala65=; no amino-acid change (alanine 65 retained).
Molecular consequence: synonymous variant.
Genome position (GRCh38, 1-based): chr17:63,842,480, C>G on the plus strand (G>C on the coding strand, the complement: SMARCD2 is on the minus strand). VCF-style: chr17-63842480-C-G. GRCh37 (hg19) VCF-style: chr17-61919840-C-G.
Other names: c.195G>C (NM_001098426.1).
Identifiers: ClinVar variation 1624138 (VCV001624138.9), dbSNP rs1360033928, ClinGen allele CA501203374.
Genomic context (GRCh38, chr17:63,842,480, plus strand): 5'-CGCCTCTCGCCCCCGTCCGCTCGCGTCCTCCTTGCTCACCTGGTACTGCGCCGCGGGGCC[C>G]GCGGGGCCCATGGGGCGGAAGGCGGCGGCCCCGGGGCCCCCCACGCCTCCTGCCGGACCC-3'
Protein context (NP_001091896.1, residues 55-75): GAAAFRPMGP[Ala65=]GPAAQYQRPG